The following is an entry in ClinVar:

ClinVar aggregate classification (germline): Uncertain significance. Review status: criteria provided, multiple submitters, no conflicts (2 of 4 stars). 2 submissions from 2 submitters: Uncertain significance (2). Last evaluated 2024-06-26.

Conditions:
Inborn genetic diseases. Identifiers: MedGen C0950123, MeSH D030342.

Allele frequency attached by ClinVar (database versions not stated): ExAC 0.00001; gnomAD 0.00001 and 0.00002; gnomAD exomes 0.00001; TOPMed 0.00002.
gnomAD v4.1: 16 of 1,613,916 alleles (0.00099%); highest among the groups gnomAD compares: Non-Finnish European, 0.0013%; no homozygotes.

Submissions (2):

Ambry Genetics
Classification: Uncertain significance for Inborn genetic diseases. Last evaluated: 2024-06-26. Review status: criteria provided, single submitter. Criteria: Ambry Variant Classification Scheme 2023. Collection method: clinical testing. Allele origin: germline.

Labcorp Genetics (formerly Invitae), Labcorp
Classification: Uncertain significance. Last evaluated: 2022-08-23. Review status: criteria provided, single submitter. Criteria: Invitae Variant Classification Sherloc (09022015). Collection method: clinical testing. Allele origin: germline.
Comment: This sequence change replaces alanine, which is neutral and non-polar, with threonine, which is neutral and polar, at codon 1769 of the CAD protein (p.Ala1769Thr). This variant is present in population databases (rs756249018, gnomAD 0.002%). This variant has not been reported in the literature in individuals affected with CAD-related conditions. ClinVar contains an entry for this variant (Variation ID: 1401677). Algorithms developed to predict the effect of missense changes on protein structure and function (SIFT, PolyPhen-2, Align-GVGD) all suggest that this variant is likely to be tolerated. In summary, the available evidence is currently insufficient to determine the role of this variant in disease. Therefore, it has been classified as a Variant of Uncertain Significance.

NM_004341.5(CAD):c.5305G>A (p.Ala1769Thr)

Gene: CAD (carbamoyl-phosphate synthetase 2, aspartate transcarbamylase, and dihydroorotase; plus strand). Cytogenetic location: 2p23.3.
Variant type: single nucleotide variant.
Coding change: c.5305G>A on transcript NM_004341.5 (MANE Select); coding-DNA position 5305, G replaced by A.
Protein change: p.Ala1769Thr; replaces alanine 1769 with threonine.
Molecular consequence: missense variant.
Genome position (GRCh38, 1-based): chr2:27,239,382, G>A. VCF-style: chr2-27239382-G-A. GRCh37 (hg19) VCF-style: chr2-27462250-G-A.
Other names: c.5116G>A, p.Ala1706Thr (NM_001306079.2); c.5305G>A (NM_004341.3); short protein forms A1706T, A1769T.
Identifiers: ClinVar variation 1401677 (VCV001401677.4), dbSNP rs756249018, ClinGen allele CA1573808.
Genomic context (GRCh38, chr2:27,239,382, plus strand): 5'-TCTGGGCAGGTGGATCTGGAGCATGAGTGGACAATTCCCAGCCACATGCCCTTCTCCAAG[G>A]CCCACTGGACACCTTTTGAAGGGCAGAAAGTGAAGGGCACCGTCCGCCGTGTGGTCCTGC-3'
Protein context (NP_004332.2, residues 1759-1779): TIPSHMPFSK[Ala1769Thr]HWTPFEGQKV